The following is an entry in ClinVar:

NM_001199138.2(NLRC4):c.2351-8T>G

Gene: NLRC4 (NLR family CARD domain containing 4; minus strand). Cytogenetic location: 2p22.3.
Variant type: single nucleotide variant.
Coding change: c.2351-8T>G on transcript NM_001199138.2 (MANE Select); 8 bases into the intron before coding-DNA position 2351, T replaced by G.
Molecular consequence: intron variant.
Genome position (GRCh38, 1-based): chr2:32,238,310, A>C on the plus strand (T>G on the coding strand, the complement: NLRC4 is on the minus strand). VCF-style: chr2-32238310-A-C. GRCh37 (hg19) VCF-style: chr2-32463379-A-C.
Other names: c.356-8T>G (NM_001302504.1); c.2351-8T>G (NM_021209.4, NM_001199139.1).
Identifiers: ClinVar variation 2107885 (VCV002107885.8), dbSNP rs748691502, ClinGen allele CA1601810.

ClinVar aggregate classification (germline): Uncertain significance. Review status: criteria provided, multiple submitters, no conflicts (2 of 4 stars). 2 submissions from 2 submitters: Uncertain significance (2). Last evaluated 2026-01-01.

Conditions:
Periodic fever-infantile enterocolitis-autoinflammatory syndrome. Also called: Autoinflammation with infantile enterocolitis. Identifiers: Orphanet 436166, MedGen C4015067, MONDO:0014472, OMIM 616050.
Familial cold autoinflammatory syndrome 4 (FCAS4). Identifiers: Orphanet 47045, Orphanet 576349, MedGen C4015276, MONDO:0014498, OMIM 616115.

Allele frequency attached by ClinVar (database versions not stated): ExAC 0.00002.

Submissions (2):

CeGaT Center for Human Genetics Tuebingen
Classification: Uncertain significance. Last evaluated: 2026-01-01. Review status: criteria provided, single submitter. Criteria: CeGaT Center For Human Genetics Tuebingen Variant Classification Criteria Version 2. Collection method: clinical testing. Allele origin: germline. Affected: yes. Observed: 1 variant allele.
Comment: NLRC4: PM2, PP3

Labcorp Genetics (formerly Invitae), Labcorp
Classification: Uncertain significance for Periodic fever-infantile enterocolitis-autoinflammatory syndrome; Familial cold autoinflammatory syndrome 4. Last evaluated: 2024-10-16. Review status: criteria provided, single submitter. Criteria: Invitae Variant Classification Sherloc (09022015). Collection method: clinical testing. Allele origin: germline.
Comment: This sequence change falls in intron 5 of the NLRC4 gene. It does not directly change the encoded amino acid sequence of the NLRC4 protein. This variant is present in population databases (rs748691502, gnomAD 0.002%). This variant has not been reported in the literature in individuals affected with NLRC4-related conditions. ClinVar contains an entry for this variant (Variation ID: 2107885). Algorithms developed to predict the effect of sequence changes on RNA splicing suggest that this variant may disrupt the consensus splice site. In summary, the available evidence is currently insufficient to determine the role of this variant in disease. Therefore, it has been classified as a Variant of Uncertain Significance.